The following is an entry in ClinVar:

NM_030662.4(MAP2K2):c.529-2A>C

Gene: MAP2K2 (mitogen-activated protein kinase kinase 2; minus strand). Cytogenetic location: 19p13.3.
Variant type: single nucleotide variant.
Coding change: c.529-2A>C on transcript NM_030662.4 (MANE Select); the canonical splice acceptor site of the intron before coding-DNA position 529, A replaced by C.
Molecular consequence: splice acceptor variant.
Genome position (GRCh38, 1-based): chr19:4,101,282, T>G on the plus strand (A>C on the coding strand, the complement: MAP2K2 is on the minus strand). VCF-style: chr19-4101282-T-G. GRCh37 (hg19) VCF-style: chr19-4101280-T-G.
Identifiers: ClinVar variation 1394515 (VCV001394515.6), dbSNP rs2145055278, ClinGen allele CA403389117.
Genomic context (GRCh38, chr19:4,101,282, plus strand): 5'-GCCTTACCTCGGTGCATGATCTGGTGCTTCTCTCGGAGGTACGCCAAGCCCCGGAGAACC[T>G]GCAGGGGAGCGCGGAGGGAGTCACGGGACAAGGCCACCAGGGCTTAGCTCCTGACCGAGC-3'

ClinVar aggregate classification (germline): Uncertain significance (1 of 4 stars; one submission).

Conditions:
RASopathy. Also called: Noonan spectrum disorder; rasopathies. Identifiers: Orphanet 536391, MedGen C5555857, MONDO:0021060.

Submission:

Labcorp Genetics (formerly Invitae), Labcorp
Classification: Uncertain significance for RASopathy. Last evaluated: 2021-11-22. Review status: criteria provided, single submitter. Criteria: Invitae Variant Classification Sherloc (09022015). Collection method: clinical testing. Allele origin: germline.
Comment: In summary, the available evidence is currently insufficient to determine the role of this variant in disease. Therefore, it has been classified as a Variant of Uncertain Significance. Algorithms developed to predict the effect of sequence changes on RNA splicing suggest that this variant may disrupt the consensus splice site. This variant has not been reported in the literature in individuals affected with MAP2K2-related conditions. This variant is not present in population databases (gnomAD no frequency). This sequence change affects an acceptor splice site in intron 4 of the MAP2K2 gene. It is expected to disrupt RNA splicing. Variants that disrupt the donor or acceptor splice site typically lead to a loss of protein function (PMID: 16199547), however the current clinical and genetic evidence is not sufficient to establish whether loss-of-function variants in MAP2K2 cause disease.

Literature cited by the submitters: PubMed 16199547.